The following is an entry in ClinVar:

NM_001291303.3(FAT4):c.12479+4T>C

Gene: FAT4 (FAT atypical cadherin 4; plus strand). Cytogenetic location: 4q28.1.
Variant type: single nucleotide variant.
Coding change: c.12479+4T>C on transcript NM_001291303.3 (MANE Select); 4 bases into the intron after coding-DNA position 12479, T replaced by C.
Molecular consequence: intron variant.
Genome position (GRCh38, 1-based): chr4:125,477,338, T>C. VCF-style: chr4-125477338-T-C. GRCh37 (hg19) VCF-style: chr4-126398493-T-C.
Other names: c.12479+4T>C (NM_001291285.3); c.12473+4T>C (NM_024582.6).
Identifiers: ClinVar variation 1515146 (VCV001515146.6), dbSNP rs775906121, ClinGen allele CA3074094.

ClinVar aggregate classification (germline): Uncertain significance (1 of 4 stars; one submission).

Allele frequency attached by ClinVar (database versions not stated): gnomAD exomes below 0.00001 and 0.00001; ExAC 0.00001.
gnomAD v4.1: 10 of 1,551,990 alleles (0.00064%); highest among the groups gnomAD compares: East Asian, 0.0024%; no homozygotes.

Submission:

Labcorp Genetics (formerly Invitae), Labcorp
Classification: Uncertain significance. Last evaluated: 2022-02-09. Review status: criteria provided, single submitter. Criteria: Invitae Variant Classification Sherloc (09022015). Collection method: clinical testing. Allele origin: germline.
Comment: In summary, the available evidence is currently insufficient to determine the role of this variant in disease. Therefore, it has been classified as a Variant of Uncertain Significance. The frequency data for this variant in the population databases is considered unreliable, as metrics indicate poor data quality at this position in the gnomAD database. This variant has not been reported in the literature in individuals affected with FAT4-related conditions. Variants that disrupt the consensus splice site are a relatively common cause of aberrant splicing (PMID: 17576681, 9536098). Algorithms developed to predict the effect of sequence changes on RNA splicing suggest that this variant is not likely to affect RNA splicing. This sequence change falls in intron 13 of the FAT4 gene. It does not directly change the encoded amino acid sequence of the FAT4 protein. It affects a nucleotide within the consensus splice site.

Literature cited by the submitters: PubMed 17576681; PubMed 9536098.